The following is an entry in ClinVar:

ClinVar aggregate classification (germline): Likely benign. Review status: criteria provided, multiple submitters, no conflicts (2 of 4 stars). 4 submissions from 4 submitters: Likely benign (4). Last evaluated 2025-11-05.

Allele frequency attached by ClinVar (database versions not stated): gnomAD 0.00012 and 0.00013; TOPMed 0.00018; gnomAD exomes 0.00019 and 0.00020; ExAC 0.00032; ESP Exome Variant Server 0.00041.
gnomAD v4.1: 311 of 1,613,880 alleles (0.019%); highest among the groups gnomAD compares: Non-Finnish European, 0.024%; no homozygotes.

Submissions (4):

Labcorp Genetics (formerly Invitae), Labcorp
Classification: Likely benign. Last evaluated: 2025-11-05. Review status: criteria provided, single submitter. Criteria: Invitae Variant Classification Sherloc (09022015). Collection method: clinical testing. Allele origin: germline.

Women's Health and Genetics/Laboratory Corporation of America, LabCorp
Classification: Likely benign. Last evaluated: 2025-10-09. Review status: criteria provided, single submitter. Criteria: LabCorp Variant Classification Summary - May 2015. Collection method: clinical testing. Allele origin: germline.
Comment: Variant summary: SEPTIN9 c.78C>G results in a synonymous change. Consensus agreement among computation tools predict no significant impact on normal splicing. However, these predictions have yet to be confirmed by functional studies. The variant allele was found at a frequency of 0.00019 in 280016 control chromosomes. The observed variant frequency exceeds the estimated maximal expected allele frequency for disease-causing variants in SEPTIN9. To our knowledge, no occurrence of c.78C>G in individuals affected with SEPTIN9-related conditions and no experimental evidence demonstrating its impact on protein function have been reported. ClinVar contains an entry for this variant (Variation ID: 759915). Based on the evidence outlined above, the variant was classified as likely benign.

CeGaT Center for Human Genetics Tuebingen
Classification: Likely benign. Last evaluated: 2024-05-01. Review status: criteria provided, single submitter. Criteria: CeGaT Center For Human Genetics Tuebingen Variant Classification Criteria Version 2. Collection method: clinical testing. Allele origin: germline. Affected: yes. Observed: 1 variant allele.
Comment: SEPTIN9: BP4, BP7

Blueprint Genetics
Classification: Likely benign. Last evaluated: 2024-02-27. Review status: criteria provided, single submitter. Criteria: ACMG Guidelines, 2015. Collection method: clinical testing. Allele origin: germline.

NM_001113491.2(SEPTIN9):c.132C>G (p.Pro44=)

Gene: SEPTIN9 (septin 9; plus strand). Cytogenetic location: 17q25.3.
Variant type: single nucleotide variant.
Coding change: c.132C>G on transcript NM_001113491.2 (MANE Select); coding-DNA position 132, C replaced by G.
Protein change: p.Pro44=; no amino-acid change (proline 44 retained).
Molecular consequence: synonymous variant. On other transcripts: 5 prime UTR variant (2).
Genome position (GRCh38, 1-based): chr17:77,402,114, C>G. VCF-style: chr17-77402114-C-G. GRCh37 (hg19) VCF-style: chr17-75398196-C-G.
Other names: c.-361C>G (NM_001113492.2, NM_001113494.1); c.111C>G, p.Pro37= (NM_001113493.2); c.75C>G, p.Pro25= (NM_001293695.2); c.78C>G, p.Pro26= (NM_006640.5).
Identifiers: ClinVar variation 759915 (VCV000759915.29), dbSNP rs375294714, ClinGen allele CA8793128.
Genomic context (GRCh38, chr17:77,402,114, plus strand): 5'-TTCAGCCTTGAAAAGATCTTTTGAGGTCGAGGAGGTCGAGACACCCAACTCCACCCCACC[C>G]CGGAGGGTCCAGACTCCCCTACTCCGAGCCACTGTGGCCAGCTCCACCCAGAAATTCCAG-3'
Protein context (NP_001106963.1, residues 34-54): EEVETPNSTP[Pro44=]RRVQTPLLRA